The following is an entry in ClinVar:

ClinVar aggregate classification (germline): Benign/Likely benign. Review status: criteria provided, multiple submitters, no conflicts (2 of 4 stars). 8 submissions from 8 submitters: Benign (4); Likely benign (3). 1 of the submissions does not count toward it. Last evaluated 2026-01-19.

Conditions:
RAI1-related disorder. Also called: RAI1-related condition.
Inborn genetic diseases. Identifiers: MedGen C0950123, MeSH D030342.
Smith-Magenis syndrome (SMS). Also called: CHROMOSOME 17p11.2 DELETION SYNDROME. Identifiers: Orphanet 819, MedGen C0795864, MONDO:0008434, OMIM 182290.

Allele frequency attached by ClinVar (database versions not stated): ESP Exome Variant Server 0.00008; gnomAD exomes 0.00014 and 0.00046; gnomAD 0.00019 and 0.00022; TOPMed 0.00037; ExAC 0.00045; 1000 Genomes Project 30x 0.00094; 1000 Genomes Project 0.00100.
gnomAD v4.1: 304 of 1,613,494 alleles (0.019%); highest among the groups gnomAD compares: East Asian, 0.39%; 1 homozygote.

Submissions (8):

Labcorp Genetics (formerly Invitae), Labcorp
Classification: Benign. Last evaluated: 2026-01-19. Review status: criteria provided, single submitter. Criteria: Invitae Variant Classification Sherloc (09022015). Collection method: clinical testing. Allele origin: germline.

Blueprint Genetics
Classification: Likely benign. Last evaluated: 2024-10-28. Review status: criteria provided, single submitter. Criteria: ACMG Guidelines, 2015. Collection method: clinical testing. Allele origin: germline.

CeGaT Center for Human Genetics Tuebingen
Classification: Likely benign. Last evaluated: 2024-01-01. Review status: criteria provided, single submitter. Criteria: CeGaT Center For Human Genetics Tuebingen Variant Classification Criteria Version 2. Collection method: clinical testing. Allele origin: germline. Affected: yes. Observed: 1 variant allele.
Comment: RAI1: BP4, BS1

Fulgent Genetics
Classification: Likely benign for Smith-Magenis syndrome. Last evaluated: 2021-08-10. Review status: criteria provided, single submitter. Criteria: ACMG Guidelines, 2015. Collection method: clinical testing. Allele origin: unknown.

GeneDx
Classification: Benign. Last evaluated: 2019-09-13. Review status: criteria provided, single submitter. Criteria: GeneDx Variant Classification Process June 2021. Collection method: clinical testing. Allele origin: germline. Affected: yes.

Ambry Genetics
Classification: Benign for Inborn genetic diseases. Last evaluated: 2019-04-22. Review status: criteria provided, single submitter. Criteria: Ambry Variant Classification Scheme 2023. Collection method: clinical testing. Allele origin: germline.

Genetic Services Laboratory, University of Chicago
Classification: Benign. Last evaluated: 2016-11-08. Review status: criteria provided, single submitter. Criteria: ACMG Guidelines, 2015. Collection method: clinical testing. Allele origin: germline. Affected: no.

PreventionGenetics, part of Exact Sciences
Classification: Benign for RAI1-related condition. Last evaluated: 2022-07-26. Review status: no assertion criteria provided. Collection method: clinical testing. Allele origin: germline. Not counted in ClinVar's aggregate classification.
Comment: This variant is classified as benign based on ACMG/AMP sequence variant interpretation guidelines (Richards et al. 2015 PMID: 25741868, with internal and published modifications).

NM_030665.4(RAI1):c.4295C>T (p.Pro1432Leu)

Gene: RAI1 (retinoic acid induced 1; plus strand). Cytogenetic location: 17p11.2.
Variant type: single nucleotide variant.
Coding change: c.4295C>T on transcript NM_030665.4 (MANE Select); coding-DNA position 4295, C replaced by T.
Protein change: p.Pro1432Leu; replaces proline 1432 with leucine.
Molecular consequence: missense variant.
Genome position (GRCh38, 1-based): chr17:17,797,243, C>T. VCF-style: chr17-17797243-C-T. GRCh37 (hg19) VCF-style: chr17-17700557-C-T.
Other names: short protein forms P1432L.
Identifiers: ClinVar variation 261936 (VCV000261936.44), dbSNP rs201405375, ClinGen allele CA8418926.